The following is an entry in ClinVar:

ClinVar aggregate classification (germline): Likely benign. Review status: criteria provided, multiple submitters, no conflicts (2 of 4 stars). 5 submissions from 5 submitters: Likely benign (5). Last evaluated 2025-12-14.

Conditions:
Cardiovascular phenotype. Identifiers: MedGen CN230736.
Long QT syndrome (LQTS). Identifiers: MedGen C0023976, MeSH D008133, MONDO:0002442. Disease mechanism: loss of function. Inheritance: Various modes of inheritance.

Allele frequency attached by ClinVar (database versions not stated): gnomAD exomes 0.00013; ExAC 0.00014; 1000 Genomes Project 0.00080.

Submissions (6):

Labcorp Genetics (formerly Invitae), Labcorp
Classification: Likely benign for Long QT syndrome. Last evaluated: 2025-12-14. Review status: criteria provided, single submitter. Criteria: Invitae Variant Classification Sherloc (09022015). Collection method: clinical testing. Allele origin: germline.

Women's Health and Genetics/Laboratory Corporation of America, LabCorp
Classification: Likely benign. Last evaluated: 2023-04-10. Review status: criteria provided, single submitter. Criteria: LabCorp Variant Classification Summary - May 2015. Collection method: clinical testing. Allele origin: germline.

Blueprint Genetics
Classification: Likely benign. Last evaluated: 2023-02-22. Review status: criteria provided, single submitter. Criteria: ACMG Guidelines, 2015. Collection method: clinical testing. Allele origin: germline.

Ambry Genetics
Classification: Likely benign for Cardiovascular phenotype. Last evaluated: 2022-12-09. Review status: criteria provided, single submitter. Criteria: Ambry Variant Classification Scheme 2023. Collection method: clinical testing. Allele origin: germline.

GeneDx
Classification: Likely benign. Last evaluated: 2015-08-06. Review status: criteria provided, single submitter. Criteria: GeneDx Variant Classification (06012015). Collection method: clinical testing. Allele origin: germline. Affected: yes.
Comment: This variant is considered likely benign or benign based on one or more of the following criteria: it is a conservative change, it occurs at a poorly conserved position in the protein, it is predicted to be benign by multiple in silico algorithms, and/or has population frequency not consistent with disease.

Roden Lab, Vanderbilt University Medical Center
No classification provided (evidence only). Condition: Long QT syndrome 5. Review status: no classification provided. Collection method: in vitro. Allele origin: not applicable. Functional consequence: Effect on ion channel function. Not counted in ClinVar's aggregate classification.
ClinVar note: "not provided" was previously submitted as the classification for the variant. However, the classification appeared to be based only on an observation of functional data so it was converted to no classification on 2025-07-30.

NM_000219.6(KCNE1):c.8T>C (p.Leu3Pro)

Gene: KCNE1 (potassium voltage-gated channel subfamily E regulatory subunit 1; minus strand). Cytogenetic location: 21q22.12.
Variant type: single nucleotide variant.
Coding change: c.8T>C on transcript NM_000219.6 (MANE Select); coding-DNA position 8, T replaced by C.
Protein change: p.Leu3Pro; replaces leucine 3 with proline.
Molecular consequence: missense variant.
Genome position (GRCh38, 1-based): chr21:34,449,627, A>G on the plus strand (T>C on the coding strand, the complement: KCNE1 is on the minus strand). VCF-style: chr21-34449627-A-G. GRCh37 (hg19) VCF-style: chr21-35821925-A-G.
Other names: c.8T>C, p.Leu3Pro (NM_001127668.4, NM_001127669.4, NM_001127670.4 and 4 more transcripts); short protein forms L3P.
Identifiers: ClinVar variation 377997 (VCV000377997.16), dbSNP rs567021150, ClinGen allele CA16609059.